The following is an entry in ClinVar:

NM_199355.4(ADAMTS18):c.221C>T (p.Ser74Leu)

Gene: ADAMTS18 (ADAM metallopeptidase with thrombospondin type 1 motif 18; minus strand). Cytogenetic location: 16q23.1.
Variant type: single nucleotide variant.
Coding change: c.221C>T on transcript NM_199355.4 (MANE Select); coding-DNA position 221, C replaced by T.
Protein change: p.Ser74Leu; replaces serine 74 with leucine.
Molecular consequence: missense variant. On other transcripts: 5 prime UTR variant (1).
Genome position (GRCh38, 1-based): chr16:77,431,569, G>A on the plus strand (C>T on the coding strand, the complement: ADAMTS18 is on the minus strand). VCF-style: chr16-77431569-G-A. GRCh37 (hg19) VCF-style: chr16-77465466-G-A.
Other names: c.-300C>T (NM_001326358.2); c.221C>T (NM_199355.2); short protein forms S74L.
Identifiers: ClinVar variation 1475156 (VCV001475156.7), dbSNP rs752265342, ClinGen allele CA8181741.

ClinVar aggregate classification (germline): Uncertain significance. Review status: criteria provided, multiple submitters, no conflicts (2 of 4 stars). 2 submissions from 2 submitters: Uncertain significance (2). Last evaluated 2025-03-18.

Conditions:
Inborn genetic diseases. Identifiers: MedGen C0950123, MeSH D030342.

Allele frequency attached by ClinVar (database versions not stated): gnomAD exomes below 0.00001 and 0.00001; ExAC 0.00001; gnomAD 0.00001; TOPMed 0.00001.
gnomAD v4.1: 4 of 1,613,982 alleles (0.00025%); highest among the groups gnomAD compares: Admixed American, 0.0033%; no homozygotes.

Submissions (2):

Ambry Genetics
Classification: Uncertain significance for Inborn genetic diseases. Last evaluated: 2025-03-18. Review status: criteria provided, single submitter. Criteria: Ambry Variant Classification Scheme 2023. Collection method: clinical testing. Allele origin: germline.

Labcorp Genetics (formerly Invitae), Labcorp
Classification: Uncertain significance. Last evaluated: 2021-01-04. Review status: criteria provided, single submitter. Criteria: Invitae Variant Classification Sherloc (09022015). Collection method: clinical testing. Allele origin: germline.
Comment: In summary, the available evidence is currently insufficient to determine the role of this variant in disease. Therefore, it has been classified as a Variant of Uncertain Significance. Algorithms developed to predict the effect of missense changes on protein structure and function are either unavailable or do not agree on the potential impact of this missense change (SIFT: "Not Available"; PolyPhen-2: "Benign"; Align-GVGD: "Not Available"). This variant has not been reported in the literature in individuals with ADAMTS18-related conditions. This variant is present in population databases (rs752265342, ExAC 0.002%). This sequence change replaces serine with leucine at codon 74 of the ADAMTS18 protein (p.Ser74Leu). The serine residue is weakly conserved and there is a large physicochemical difference between serine and leucine.